The following is an entry in ClinVar:

NM_005689.4(ABCB6):c.2168G>A (p.Arg723Gln)

Gene: ABCB6 (ATP binding cassette subfamily B member 6 (LAN blood group); minus strand). Cytogenetic location: 2q35.
Variant type: single nucleotide variant.
Coding change: c.2168G>A on transcript NM_005689.4 (MANE Select); coding-DNA position 2168, G replaced by A.
Protein change: p.Arg723Gln; replaces arginine 723 with glutamine.
Molecular consequence: missense variant.
Genome position (GRCh38, 1-based): chr2:219,210,799, C>T on the plus strand (G>A on the coding strand, the complement: ABCB6 is on the minus strand). VCF-style: chr2-219210799-C-T. GRCh37 (hg19) VCF-style: chr2-220075521-C-T.
Other names: ABCB6, ARG723GLN (rs148211042); c.2030G>A, p.Arg677Gln (NM_001349828.2); short protein forms R723Q, R677Q.
Identifiers: ClinVar variation 218181 (VCV000218181.13), dbSNP rs148211042, ClinGen allele CA212652.
Genomic context (GRCh38, chr2:219,210,799, plus strand): 5'-TTGAGGATGGTGCGGGCAATGGCGACGCGCTGCTTCTCCCCGCCGCTCAGCTTCAGTCCC[C>T]GCTCGCCCACCTGTGTCCTGTACCCTGTGGATATTACCCACCACACGTTTCTTACGAAAC-3'
Protein context (NP_005680.1, residues 713-733): PEGYRTQVGE[Arg723Gln]GLKLSGGEKQ

ClinVar aggregate classification (germline): Uncertain significance. Review status: criteria provided, multiple submitters, no conflicts (2 of 4 stars). 5 submissions from 5 submitters: Uncertain significance (3). 2 of the submissions do not count toward it. Last evaluated 2025-10-26.

Conditions:
ABCB6-related disorder. Also called: ABCB6-related condition.
Familial pseudohyperkalemia. Also called: PSEUDOHYPERKALEMIA LILLE; Pseudohyperkalemia, familial, 2, due to red cell leak; Pseudohyperkalemia Chiswick; Pseudohyperkalemia Falkirk; PSEUDOHYPERKALEMIA EAST LONDON; CRYOHYDROCYTOSIS, MILD. Identifiers: Orphanet 90044, MedGen C1836705, MONDO:0012204, OMIM 609153.

Allele frequency attached by ClinVar (database versions not stated): 1000 Genomes Project 30x 0.00016; 1000 Genomes Project 0.00020; gnomAD 0.00073 and 0.00074; gnomAD exomes 0.00077 and 0.00114; ExAC 0.00085; ESP Exome Variant Server 0.00085; TOPMed 0.00087.
gnomAD v4.1: 1,758 of 1,613,838 alleles (0.11%); highest among the groups gnomAD compares: Non-Finnish European, 0.13%; 2 homozygotes.

Submissions (5):

Labcorp Genetics (formerly Invitae), Labcorp
Classification: Uncertain significance. Last evaluated: 2025-10-26. Review status: criteria provided, single submitter. Criteria: Invitae Variant Classification Sherloc (09022015). Collection method: clinical testing. Allele origin: germline.
Comment: This sequence change replaces arginine, which is basic and polar, with glutamine, which is neutral and polar, at codon 723 of the ABCB6 protein (p.Arg723Gln). This variant is present in population databases (rs148211042, gnomAD 0.1%), and has an allele count higher than expected for a pathogenic variant. This missense change has been observed in individual(s) with familial pseudohyperkalemia (PMID: 24947683, 27151991). ClinVar contains an entry for this variant (Variation ID: 218181). An algorithm developed to predict the effect of missense changes on protein structure and function (PolyPhen-2) suggests that this variant is likely to be disruptive. Experimental studies have shown that this missense change affects ABCB6 function (PMID: 27151991). In summary, the available evidence is currently insufficient to determine the role of this variant in disease. Therefore, it has been classified as a Variant of Uncertain Significance.

Mayo Clinic Laboratories, Mayo Clinic
Classification: Uncertain significance. Last evaluated: 2025-09-22. Review status: criteria provided, single submitter. Criteria: ACMG Guidelines, 2015. Collection method: clinical testing. Allele origin: germline. Observed: 3 variant alleles.

Mendelics
Classification: Uncertain significance. Last evaluated: 2022-05-04. Review status: criteria provided, single submitter. Criteria: Mendelics Assertion Criteria 2019. Collection method: clinical testing. Allele origin: germline.

PreventionGenetics, part of Exact Sciences
Classification: Uncertain significance for ABCB6-related condition. Last evaluated: 2024-03-07. Review status: no assertion criteria provided. Collection method: clinical testing. Allele origin: germline. Not counted in ClinVar's aggregate classification.
Comment: The ABCB6 c.2168G>A variant is predicted to result in the amino acid substitution p.Arg723Gln. This variant has been reported in multiple unrelated individuals with pseudohyperkalemia and was reported to segregate with disease in four affected individuals in a three generation pedigree (Bawazir et al. 2014. PubMed ID: 24947683; Andolfo et al. 2016. PubMed ID: 27151991). Functional studies found this variant results in increased potassium efflux (Andolfo et al. 2016. PubMed ID: 27151991). This variant is reported in 0.13% of alleles in individuals of European (Non-Finnish) descent in gnomAD. Although we suspect that this variant may be pathogenic, at this time, the clinical significance of this variant is uncertain due to the absence of conclusive functional and genetic evidence.

OMIM
Classification: Pathogenic for PSEUDOHYPERKALEMIA, FAMILIAL, 2, DUE TO RED CELL LEAK. Last evaluated: 2014-12-01. Review status: no assertion criteria provided. Collection method: literature only. Allele origin: germline. Not counted in ClinVar's aggregate classification.

Literature cited by the submitters: PubMed 24947683 (cited by 3 submitters); PubMed 27151991 (cited by Labcorp Genetics (formerly Invitae), Labcorp and Mayo Clinic Laboratories, Mayo Clinic); PubMed 27756835 (cited by Mayo Clinic Laboratories, Mayo Clinic); PubMed 28971506 (cited by Mayo Clinic Laboratories, Mayo Clinic); PubMed 29713289 (cited by Mayo Clinic Laboratories, Mayo Clinic); PubMed 30187933 (cited by Mayo Clinic Laboratories, Mayo Clinic); PubMed 30520525 (cited by Mayo Clinic Laboratories, Mayo Clinic); PubMed 33960432 (cited by Mayo Clinic Laboratories, Mayo Clinic); PubMed 6123793 (cited by OMIM); PubMed 11918557 (cited by OMIM).